The following is an entry in ClinVar:

NM_015087.5(SPART):c.841G>A (p.Asp281Asn)

Gene: SPART (spartin; minus strand). Cytogenetic location: 13q13.3.
Variant type: single nucleotide variant.
Coding change: c.841G>A on transcript NM_015087.5 (MANE Select); coding-DNA position 841, G replaced by A.
Protein change: p.Asp281Asn; replaces aspartic acid 281 with asparagine.
Molecular consequence: missense variant.
Genome position (GRCh38, 1-based): chr13:36,331,566, C>T on the plus strand (G>A on the coding strand, the complement: SPART is on the minus strand). VCF-style: chr13-36331566-C-T. GRCh37 (hg19) VCF-style: chr13-36905703-C-T.
Other names: c.841G>A, p.Asp281Asn (NM_001142294.2, NM_001142295.2, NM_001142296.2); short protein forms D281N.
Identifiers: ClinVar variation 959242 (VCV000959242.7), dbSNP rs773929663, ClinGen allele CA6949555.

ClinVar aggregate classification (germline): Uncertain significance. Review status: criteria provided, multiple submitters, no conflicts (2 of 4 stars). 2 submissions from 2 submitters: Uncertain significance (2). Last evaluated 2025-07-03.

Conditions:
Inborn genetic diseases. Identifiers: MedGen C0950123, MeSH D030342.

Allele frequency attached by ClinVar (database versions not stated): gnomAD exomes 0.00003 and 0.00012; ExAC 0.00007; gnomAD 0.00023 and 0.00024; TOPMed 0.00026.
gnomAD v4.1: 75 of 1,613,602 alleles (0.0046%); highest among the groups gnomAD compares: Admixed American, 0.12%; no homozygotes.

Submissions (2):

Ambry Genetics
Classification: Uncertain significance for Inborn genetic diseases. Last evaluated: 2025-07-03. Review status: criteria provided, single submitter. Criteria: Ambry Variant Classification Scheme 2023. Collection method: clinical testing. Allele origin: germline.

Labcorp Genetics (formerly Invitae), Labcorp
Classification: Uncertain significance. Last evaluated: 2022-06-20. Review status: criteria provided, single submitter. Criteria: Invitae Variant Classification Sherloc (09022015). Collection method: clinical testing. Allele origin: germline.
Comment: This sequence change replaces aspartic acid, which is acidic and polar, with asparagine, which is neutral and polar, at codon 281 of the SPART protein (p.Asp281Asn). This variant is present in population databases (rs773929663, gnomAD 0.09%). This variant has not been reported in the literature in individuals affected with SPART-related conditions. ClinVar contains an entry for this variant (Variation ID: 959242). Algorithms developed to predict the effect of missense changes on protein structure and function output the following: SIFT: "Tolerated"; PolyPhen-2: "Benign"; Align-GVGD: "Class C0". The asparagine amino acid residue is found in multiple mammalian species, which suggests that this missense change does not adversely affect protein function. In summary, the available evidence is currently insufficient to determine the role of this variant in disease. Therefore, it has been classified as a Variant of Uncertain Significance.